The following is an entry in ClinVar:

NM_000091.5(COL4A3):c.145-2A>G

Genes: COL4A3 (collagen type IV alpha 3 chain; plus strand), MFF-DT (MFF divergent transcript; minus strand). Cytogenetic location: 2q36.3.
Variant type: single nucleotide variant.
Coding change: c.145-2A>G on transcript NM_000091.5 (MANE Select); the canonical splice acceptor site of the intron before coding-DNA position 145, A replaced by G.
Molecular consequence: splice acceptor variant.
Genome position (GRCh38, 1-based): chr2:227,240,141, A>G. VCF-style: chr2-227240141-A-G. GRCh37 (hg19) VCF-style: chr2-228104857-A-G.
Identifiers: ClinVar variation 2203276 (VCV002203276.4), dbSNP rs2469463138, ClinGen allele CA350859022.

ClinVar aggregate classification (germline): Likely pathogenic (1 of 4 stars; one submission).

Submission:

Labcorp Genetics (formerly Invitae), Labcorp
Classification: Likely pathogenic. Last evaluated: 2022-06-13. Review status: criteria provided, single submitter. Criteria: Invitae Variant Classification Sherloc (09022015). Collection method: clinical testing. Allele origin: germline.
Comment: This sequence change affects an acceptor splice site in intron 2 of the COL4A3 gene. It is expected to disrupt RNA splicing. Variants that disrupt the donor or acceptor splice site typically lead to a loss of protein function (PMID: 16199547), and loss-of-function variants in COL4A3 are known to be pathogenic (PMID: 8956999, 24854265, 26809805, 27281700). In summary, the currently available evidence indicates that the variant is pathogenic, but additional data are needed to prove that conclusively. Therefore, this variant has been classified as Likely Pathogenic. Algorithms developed to predict the effect of sequence changes on RNA splicing suggest that this variant may disrupt the consensus splice site. This variant is also known as c.162–2A>G. Disruption of this splice site has been observed in individual(s) with Alport syndrome (PMID: 24633401). This variant is not present in population databases (gnomAD no frequency).

Literature cited by the submitters: PubMed 16199547; PubMed 8956999; PubMed 24854265; PubMed 26809805; PubMed 27281700; PubMed 24633401.